The following is an entry in ClinVar:

ClinVar aggregate classification (germline): Uncertain significance. Review status: criteria provided, multiple submitters, no conflicts (2 of 4 stars). 4 submissions from 4 submitters: Uncertain significance (3). 1 of the submissions does not count toward it. Last evaluated 2025-11-01.

Conditions:
Hereditary cancer-predisposing syndrome. Also called: Hereditary Cancer Syndrome; Hereditary neoplastic syndrome; Neoplastic Syndromes, Hereditary; Tumor predisposition. Identifiers: Orphanet 140162, MedGen C0027672, MeSH D009386, MONDO:0015356.
Ataxia-telangiectasia syndrome (AT). Also called: Ataxia-telangiectasia, complementation group E; LOUIS-BAR SYNDROME; Cerebello-oculocutaneous telangiectasia; Immunodeficiency with ataxia telangiectasia; Ataxia-telangiectasia, complementation group D; AT, COMPLEMENTATION GROUP C. Identifiers: Orphanet 100, MedGen C0004135, MONDO:0008840, OMIM 208900.

Submissions (4):

Ambry Genetics
Classification: Uncertain significance for Hereditary cancer-predisposing syndrome. Last evaluated: 2025-11-01. Review status: criteria provided, single submitter. Criteria: Ambry Variant Classification Scheme 2023. Collection method: clinical testing. Allele origin: germline.
Comment: The p.S2R variant (also known as c.6T>A), located in coding exon 1 of the ATM gene, results from a T to A substitution at nucleotide position 6. The serine at codon 2 is replaced by arginine, an amino acid with dissimilar properties. This amino acid position is highly conserved in available vertebrate species. In addition, this alteration is predicted to be tolerated by in silico analysis. Since supporting evidence is limited at this time, the clinical significance of this alteration remains unclear.

Labcorp Genetics (formerly Invitae), Labcorp
Classification: Uncertain significance for Ataxia-telangiectasia syndrome. Last evaluated: 2024-12-26. Review status: criteria provided, single submitter. Criteria: Invitae Variant Classification Sherloc (09022015). Collection method: clinical testing. Allele origin: germline.
Comment: This sequence change replaces serine, which is neutral and polar, with arginine, which is basic and polar, at codon 2 of the ATM protein (p.Ser2Arg). This variant is not present in population databases (gnomAD no frequency). This variant has not been reported in the literature in individuals affected with ATM-related conditions. ClinVar contains an entry for this variant (Variation ID: 922075). Invitae Evidence Modeling of protein sequence and biophysical properties (such as structural, functional, and spatial information, amino acid conservation, physicochemical variation, residue mobility, and thermodynamic stability) indicates that this missense variant is not expected to disrupt ATM protein function with a negative predictive value of 95%. In summary, the available evidence is currently insufficient to determine the role of this variant in disease. Therefore, it has been classified as a Variant of Uncertain Significance.

Color Diagnostics, LLC DBA Color Health
Classification: Uncertain significance for Hereditary cancer-predisposing syndrome. Last evaluated: 2019-03-13. Review status: criteria provided, single submitter. Criteria: ACMG Guidelines, 2015. Collection method: clinical testing. Allele origin: germline.

Natera, Inc.
Classification: Uncertain significance for Ataxia-telangiectasia. Last evaluated: 2020-06-01. Review status: no assertion criteria provided. Collection method: clinical testing. Allele origin: germline. Not counted in ClinVar's aggregate classification.

NM_000051.4(ATM):c.6T>A (p.Ser2Arg)

Gene: ATM (ATM serine/threonine kinase; plus strand). Cytogenetic location: 11q22.3.
Variant type: single nucleotide variant.
Coding change: c.6T>A on transcript NM_000051.4 (MANE Select); coding-DNA position 6, T replaced by A.
Protein change: p.Ser2Arg; replaces serine 2 with arginine.
Molecular consequence: missense variant.
Genome position (GRCh38, 1-based): chr11:108,227,630, T>A. VCF-style: chr11-108227630-T-A. GRCh37 (hg19) VCF-style: chr11-108098357-T-A.
Other names: c.6T>A, p.Ser2Arg (NM_001351834.2, NM_001351835.2, NM_001351836.2); short protein forms S2R.
Identifiers: ClinVar variation 922075 (VCV000922075.17), dbSNP rs748158168, ClinGen allele CA382518926.